The following is an entry in ClinVar:

ClinVar aggregate classification (germline): Uncertain significance. Review status: criteria provided, multiple submitters, no conflicts (2 of 4 stars). 3 submissions from 3 submitters: Uncertain significance (2). 1 of the submissions does not count toward it. Last evaluated 2025-01-12.

Conditions:
Inborn genetic diseases. Identifiers: MedGen C0950123, MeSH D030342.

Allele frequency attached by ClinVar (database versions not stated): gnomAD exomes below 0.00001; ExAC 0.00001; gnomAD 0.00001; TOPMed 0.00002.
gnomAD v4.1: 4 of 1,614,020 alleles (0.00025%); highest among the groups gnomAD compares: African/African-American, 0.0053%; no homozygotes.

Submissions (3):

GeneDx
Classification: Uncertain significance. Last evaluated: 2025-01-12. Review status: criteria provided, single submitter. Criteria: GeneDx Variant Classification Process June 2021. Collection method: clinical testing. Allele origin: germline.
Comment: Not observed at significant frequency in large population cohorts (gnomAD); In silico analysis indicates that this missense variant does not alter protein structure/function; Has not been previously published as pathogenic or benign to our knowledge

Ambry Genetics
Classification: Uncertain significance for Inborn genetic diseases. Last evaluated: 2024-12-21. Review status: criteria provided, single submitter. Criteria: Ambry Variant Classification Scheme 2023. Collection method: clinical testing. Allele origin: germline.
Comment: The p.K1164Q variant (also known as c.3490A>C), located in coding exon 14 of the FANCM gene, results from an A to C substitution at nucleotide position 3490. The lysine at codon 1164 is replaced by glutamine, an amino acid with similar properties. This amino acid position is conserved. In addition, this alteration is predicted to be tolerated by in silico analysis. Based on the available evidence, the clinical significance of this variant remains unclear.

Genetic Services Laboratory, University of Chicago
Classification: Uncertain significance. Last evaluated: 2022-08-28. Review status: no assertion criteria provided. Collection method: clinical testing. Allele origin: germline. Affected: no. Not counted in ClinVar's aggregate classification.
Comment: DNA sequence analysis of the FANCM gene demonstrated a sequence change, c.3490A>C, in exon 14 that results in an amino acid change, p.Lys1164Gln. This sequence change does not appear to have been previously described in individuals with FANCM-related disorders. This sequence change has been described in the gnomAD database in 1 individual which corresponds to a population frequency of 0.0004% (dbSNP rs747009303). The p.Lys1164Gln change affects a poorly conserved amino acid residue located in a domain of the FANCM protein that is not known to be functional. In-silico pathogenicity prediction tools (SIFT, PolyPhen2, Align GVGD, REVEL) provide contradictory results for the p.Lys1164Gln substitution. Due to insufficient evidences and the lack of functional studies, the clinical significance of the p.Lys1164Gln change remains unknown at this time.

NM_020937.4(FANCM):c.3490A>C (p.Lys1164Gln)

Gene: FANCM (FA complementation group M; plus strand). Cytogenetic location: 14q21.2.
Variant type: single nucleotide variant.
Coding change: c.3490A>C on transcript NM_020937.4 (MANE Select); coding-DNA position 3490, A replaced by C.
Protein change: p.Lys1164Gln; replaces lysine 1164 with glutamine.
Molecular consequence: missense variant.
Genome position (GRCh38, 1-based): chr14:45,176,244, A>C. VCF-style: chr14-45176244-A-C. GRCh37 (hg19) VCF-style: chr14-45645447-A-C.
Other names: c.3412A>C, p.Lys1138Gln (NM_001308133.2); short protein forms K1138Q, K1164Q.
Identifiers: ClinVar variation 2443131 (VCV002443131.5), dbSNP rs747009303, ClinGen allele CA7169518.